The following is an entry in ClinVar:

NM_001378609.3(OTOGL):c.5884C>G (p.Leu1962Val)

Gene: OTOGL (otogelin like; plus strand). Cytogenetic location: 12q21.31.
Variant type: single nucleotide variant.
Coding change: c.5884C>G on transcript NM_001378609.3 (MANE Select); coding-DNA position 5884, C replaced by G.
Protein change: p.Leu1962Val; replaces leucine 1962 with valine.
Molecular consequence: missense variant.
Genome position (GRCh38, 1-based): chr12:80,356,493, C>G. VCF-style: chr12-80356493-C-G. GRCh37 (hg19) VCF-style: chr12-80750273-C-G.
Other names: c.5749C>G, p.Leu1917Val (NM_001368062.3); c.5884C>G, p.Leu1962Val (NM_001378610.3, NM_173591.7); short protein forms L1917V, L1962V.
Identifiers: ClinVar variation 2015146 (VCV002015146.4), dbSNP rs1299156048, ClinGen allele CA385887902.

ClinVar aggregate classification (germline): Uncertain significance (1 of 4 stars; one submission).

Submission:

Labcorp Genetics (formerly Invitae), Labcorp
Classification: Uncertain significance. Last evaluated: 2022-07-08. Review status: criteria provided, single submitter. Criteria: Invitae Variant Classification Sherloc (09022015). Collection method: clinical testing. Allele origin: germline.
Comment: In summary, the available evidence is currently insufficient to determine the role of this variant in disease. Therefore, it has been classified as a Variant of Uncertain Significance. This sequence change replaces leucine, which is neutral and non-polar, with valine, which is neutral and non-polar, at codon 1953 of the OTOGL protein (p.Leu1953Val). This variant is not present in population databases (gnomAD no frequency). This variant has not been reported in the literature in individuals affected with OTOGL-related conditions. Algorithms developed to predict the effect of missense changes on protein structure and function output the following: SIFT: "Tolerated"; PolyPhen-2: "Benign"; Align-GVGD: "Class C0". The valine amino acid residue is found in multiple mammalian species, which suggests that this missense change does not adversely affect protein function.